The following is an entry in ClinVar:

ClinVar aggregate classification (germline): Uncertain significance (1 of 4 stars; one submission).

Submission:

Labcorp Genetics (formerly Invitae), Labcorp
Classification: Uncertain significance. Last evaluated: 2023-12-28. Review status: criteria provided, single submitter. Criteria: Invitae Variant Classification Sherloc (09022015). Collection method: clinical testing. Allele origin: germline.
Comment: This sequence change creates a premature translational stop signal (p.Gly980*) in the SAMD9 gene. While this is not anticipated to result in nonsense mediated decay, it is expected to disrupt the last 610 amino acid(s) of the SAMD9 protein. This variant is not present in population databases (gnomAD no frequency). This variant has not been reported in the literature in individuals affected with SAMD9-related conditions. Experimental studies and prediction algorithms are not available or were not evaluated, and the functional significance of this variant is currently unknown. In summary, the available evidence is currently insufficient to determine the role of this variant in disease. Therefore, it has been classified as a Variant of Uncertain Significance.

NM_017654.4(SAMD9):c.2938G>T (p.Gly980Ter)

Gene: SAMD9 (sterile alpha motif domain containing 9; minus strand). Cytogenetic location: 7q21.2.
Variant type: single nucleotide variant.
Coding change: c.2938G>T on transcript NM_017654.4 (MANE Select); coding-DNA position 2938, G replaced by T.
Protein change: p.Gly980Ter; replaces glycine 980 with a stop codon.
Molecular consequence: nonsense.
Genome position (GRCh38, 1-based): chr7:93,103,160, C>A on the plus strand (G>T on the coding strand, the complement: SAMD9 is on the minus strand). VCF-style: chr7-93103160-C-A. GRCh37 (hg19) VCF-style: chr7-92732473-C-A.
Other names: c.2938G>T, p.Gly980Ter (NM_001193307.2); short protein forms G980*.
Identifiers: ClinVar variation 2706160 (VCV002706160.3), dbSNP rs2535356817, ClinGen allele CA368189205.